The following is an entry in ClinVar:

ClinVar aggregate classification (germline): Uncertain significance (1 of 4 stars; one submission).

Submission:

OLLIN Analises Genomicas, OLLIN
Classification: Uncertain significance. Last evaluated: 2026-08-06. Review status: criteria provided, single submitter. Criteria: ACMG Guidelines 2015 PMID 25741868. Collection method: clinical testing. Allele origin: germline.
Comment: This missense variant, located in exon 17 (of 27), is absent from gnomAD and has not been identified in the literature. However, it has been reported in ClinVar (accession VCV001378903.9). In silico analysis predicts that this variant has a tolerated effect. According to the currently available evidence, this variant has been classified as uncertain significance (PM2_P, BP4).

NM_024757.5(EHMT1):c.2593G>A (p.Asp865Asn)

Gene: EHMT1 (euchromatic histone lysine methyltransferase 1; plus strand). Cytogenetic location: 9q34.3.
Variant type: single nucleotide variant.
Coding change: c.2593G>A on transcript NM_024757.5 (MANE Select); coding-DNA position 2593, G replaced by A.
Protein change: p.Asp865Asn; replaces aspartic acid 865 with asparagine.
Molecular consequence: missense variant.
Genome position (GRCh38, 1-based): chr9:137,798,900, G>A. VCF-style: chr9-137798900-G-A. GRCh37 (hg19) VCF-style: chr9-140693352-G-A.
Other names: c.2572G>A, p.Asp858Asn (NM_001354263.2); short protein forms D858N, D865N.
Identifiers: ClinVar variation 5003048 (VCV005003048.1).